The following is an entry in ClinVar:

ClinVar aggregate classification (germline): Likely pathogenic. Review status: criteria provided, multiple submitters, no conflicts (2 of 4 stars). 2 submissions from 2 submitters: Likely pathogenic (2). Last evaluated 2025-10-26.

Conditions:
Intellectual developmental disorder, X-linked, syndromic, Claes-Jensen type. Also called: INTELLECTUAL DEVELOPMENTAL DISORDER, X-LINKED, SYNDROMIC 16; MENTAL RETARDATION, X-LINKED, SYNDROMIC 16; Syndromic X-linked intellectual disability Claes-Jensen type. Identifiers: Orphanet 85279, MedGen C1845243, MONDO:0010355, OMIM 300534.

Submissions (2):

Victorian Clinical Genetics Services, Murdoch Childrens Research Institute
Classification: Likely pathogenic for Intellectual developmental disorder, X-linked, syndromic, Claes-Jensen type. Last evaluated: 2025-10-26. Review status: criteria provided, single submitter. Criteria: ACMG Guidelines, 2015. Collection method: clinical testing. Allele origin: germline. Affected: yes.
Comment: This variant is classified as Likely pathogenic. Evidence in support of pathogenic classification: Variant is absent from gnomAD (v2, v3 and v4); This variant has moderate previous evidence of pathogenicity in unrelated individuals. This variant has been classified as likely pathogenic in ClinVar in a de novo individual (PMID: 37872275); Missense variant in a region that is highly intolerant to missense variation (high constraint region in DECIPHER); Missense variant predicted to be damaging by in silico tool(s) or highly conserved with a major amino acid change; Additional information: Variant is predicted to result in a missense amino acid change from Val to Phe; This variant is heterozygous; This gene is associated with X-linked disease. Females heterozygous for familial variants have been reported to be mildly affected, while de novo heterozygous females tend to be syndromic and more severely affected (PMIDs: 32279304, 36553533); No published evidence of segregation with disease has been identified for this variant; No published functional evidence has been identified for this variant; No comparable missense variants have previous evidence for pathogenicity; Variants in this gene are known to have variable expressivity. Intrafamilial and interfamilial variability have been reported (PMID: 16541399).

Equipe Genetique des Anomalies du Developpement, Université de Bourgogne
Classification: Likely pathogenic for Intellectual developmental disorder, X-linked, syndromic, Claes-Jensen type. Last evaluated: 2021-10-18. Review status: criteria provided, single submitter. Criteria: ACMG Guidelines, 2015. Collection method: clinical testing. Allele origin: de novo. Affected: yes.

Literature cited by the submitters: PubMed 37872275 (cited by Victorian Clinical Genetics Services, Murdoch Childrens Research Institute); PubMed 32279304 (cited by Victorian Clinical Genetics Services, Murdoch Childrens Research Institute); PubMed 36553533 (cited by Victorian Clinical Genetics Services, Murdoch Childrens Research Institute); PubMed 16541399 (cited by Victorian Clinical Genetics Services, Murdoch Childrens Research Institute).

NM_004187.5(KDM5C):c.1843G>T (p.Val615Phe)

Gene: KDM5C (lysine demethylase 5C; minus strand). Cytogenetic location: Xp11.22.
Variant type: single nucleotide variant.
Coding change: c.1843G>T on transcript NM_004187.5 (MANE Select); coding-DNA position 1843, G replaced by T.
Protein change: p.Val615Phe; replaces valine 615 with phenylalanine.
Molecular consequence: missense variant. On other transcripts: non-coding transcript variant (3).
Genome position (GRCh38, 1-based): chrX:53,201,877, C>A on the plus strand (G>T on the coding strand, the complement: KDM5C is on the minus strand). VCF-style: chrX-53201877-C-A. GRCh37 (hg19) VCF-style: chrX-53231059-C-A.
Other names: c.1642G>T, p.Val548Phe (NM_001146702.2); c.1840G>T, p.Val614Phe (NM_001282622.3, NM_001353979.2, NM_001353982.2); c.1843G>T, p.Val615Phe (NM_001353978.3, NM_001353981.2, NM_001353984.2); short protein forms V548F, V614F, V615F.
Identifiers: ClinVar variation 1308631 (VCV001308631.2), dbSNP rs2146868023, ClinGen allele CA413124331.